The following is an entry in ClinVar:

ClinVar aggregate classification (germline): Uncertain significance (1 of 4 stars; one submission).

Conditions:
Fanconi anemia (FA). Also called: Fanconi's anemia. Identifiers: Orphanet 84, MedGen C0015625, MeSH D005199, MONDO:0019391.

gnomAD v4.1: 1 of 1,613,736 alleles (0.000062%); highest among the groups gnomAD compares: East Asian, 0.0022%; no homozygotes.

Submission:

Labcorp Genetics (formerly Invitae), Labcorp
Classification: Uncertain significance for Fanconi anemia. Last evaluated: 2024-05-23. Review status: criteria provided, single submitter. Criteria: Invitae Variant Classification Sherloc (09022015). Collection method: clinical testing. Allele origin: germline.
Comment: This sequence change replaces glutamic acid, which is acidic and polar, with aspartic acid, which is acidic and polar, at codon 336 of the FANCD2 protein (p.Glu336Asp). This variant is present in population databases (no rsID available, gnomAD 0.006%). This variant has not been reported in the literature in individuals affected with FANCD2-related conditions. An algorithm developed to predict the effect of missense changes on protein structure and function (PolyPhen-2) suggests that this variant is likely to be tolerated. In summary, the available evidence is currently insufficient to determine the role of this variant in disease. Therefore, it has been classified as a Variant of Uncertain Significance.

NM_001018115.3(FANCD2):c.1008A>C (p.Glu336Asp)

Genes: FANCD2 (FA complementation group D2; plus strand), LOC107303338 (3p25 FANCD2 Alu-mediated recombination region; plus strand). Cytogenetic location: 3p25.3.
Variant type: single nucleotide variant.
Coding change: c.1008A>C on transcript NM_001018115.3 (MANE Select); coding-DNA position 1008, A replaced by C.
Protein change: p.Glu336Asp; replaces glutamic acid 336 with aspartic acid.
Molecular consequence: missense variant.
Genome position (GRCh38, 1-based): chr3:10,043,502, A>C. VCF-style: chr3-10043502-A-C. GRCh37 (hg19) VCF-style: chr3-10085186-A-C.
Other names: c.1008A>C, p.Glu336Asp (NM_001319984.2, NM_001374253.1, NM_001374254.1 and 1 more transcripts); short protein forms E336D.
Identifiers: ClinVar variation 3646290 (VCV003646290.2).
Genomic context (GRCh38, chr3:10,043,502, plus strand): 5'-GGTACGTAGAAGAGTAATTTTTTTCCTCTCTGCTACTTGTAGTTCCTCAGGAAATCAAGA[A>C]AGCAGCGGTCAGAGCTGTATTATTCTCCTCTTTGATGTAATAAAGTCAGCTATTAGATAT-3'
Protein context (NP_001018125.1, residues 326-346): KGRASSSGNQ[Glu336Asp]SSGQSCIILL